The following is an entry in ClinVar:

ClinVar aggregate classification (germline): Conflicting classifications of pathogenicity. Review status: criteria provided, conflicting classifications (1 of 4 stars). 2 submissions from 2 submitters: Uncertain significance (1); Likely benign (1). Last evaluated 2025-07-03.

Conditions:
Inborn genetic diseases. Identifiers: MedGen C0950123, MeSH D030342.
Developmental and epileptic encephalopathy, 14 (DEE14). Also called: Early infantile epileptic encephalopathy 14. Identifiers: Orphanet 293181, MedGen C3554195, MONDO:0013989, OMIM 614959.
Autosomal dominant nocturnal frontal lobe epilepsy 5. Also called: KCNT1-Related Epilepsy; Epilepsy, nocturnal frontal lobe, 5; CILIARY DYSKINESIA, PRIMARY, 28, WITHOUT SITUS INVERSUS; CILIARY DYSKINESIA, PRIMARY, 28, WITH SITUS INVERSUS. Identifiers: Orphanet 98784, MedGen C3554306, MONDO:0014002, OMIM 615005.

Submissions (2):

Labcorp Genetics (formerly Invitae), Labcorp
Classification: Uncertain significance for Autosomal dominant nocturnal frontal lobe epilepsy 5; Developmental and epileptic encephalopathy, 14. Last evaluated: 2025-07-03. Review status: criteria provided, single submitter. Criteria: Invitae Variant Classification Sherloc (09022015). Collection method: clinical testing. Allele origin: germline.
Comment: This variant results in a copy number gain of the genomic region encompassing exon(s) 29 of the KCNT1 gene. While the exact position of this variant cannot be determined from the data, sub-genic copy number gains are generally in tandem (PMID: 25640679). This variant is predicted to be in-frame, and likely preserves the integrity of the reading frame. This variant is present in population databases (rs745609654, gnomAD 0.004%). This variant has not been reported in the literature in individuals affected with KCNT1-related conditions. This variant is also known as c.3178-12_3180dup (Intronic). ClinVar contains an entry for this variant (Variation ID: 1728495). Experimental studies and prediction algorithms are not available or were not evaluated, and the functional significance of this variant is currently unknown. In summary, the available evidence is currently insufficient to determine the role of this variant in disease. Therefore, it has been classified as a Variant of Uncertain Significance.

Ambry Genetics
Classification: Likely benign for Inborn genetic diseases. Last evaluated: 2017-02-03. Review status: criteria provided, single submitter. Criteria: Ambry Variant Classification Scheme 2023. Collection method: clinical testing. Allele origin: germline.

Literature cited by the submitters: PubMed 25640679 (cited by Labcorp Genetics (formerly Invitae), Labcorp).

NM_020822.3(KCNT1):c.3178-12_3180dup

Gene: KCNT1 (potassium sodium-activated channel subfamily T member 1; plus strand). Cytogenetic location: 9q34.3.
Variant type: Duplication.
Coding change: c.3178-12_3180dup on transcript NM_020822.3 (MANE Select); 12 bases into the intron before coding-DNA position 3178 through coding-DNA position 3180, 15 bases duplicated (TGCCCTGCCCAGTCC).
Molecular consequence: splice acceptor variant.
Genome position (GRCh38, 1-based): chr9:135,786,185-135,786,199, TGCCCTGCCCAGTCC duplicated; duplicating any 15 consecutive bases within chr9:135,786,183-135,786,199 gives the same sequence; the c. name uses the placement nearest the transcript's 3' end. VCF-style (leftmost placement, unchanged base first): chr9-135786182-C-CCCTGCCCTGCCCAGT. GRCh37 (hg19) VCF-style: chr9-138678028-C-CCCTGCCCTGCCCAGT.
Other names: c.3043-12_3045dup (NM_001272003.2).
Identifiers: ClinVar variation 1728495 (VCV001728495.7), dbSNP rs745609654, ClinGen allele CA5327738.